The following is an entry in ClinVar:

NM_001010874.5(TECRL):c.374C>G (p.Ala125Gly)

Gene: TECRL (trans-2,3-enoyl-CoA reductase like; minus strand). Cytogenetic location: 4q13.1.
Variant type: single nucleotide variant.
Coding change: c.374C>G on transcript NM_001010874.5 (MANE Select); coding-DNA position 374, C replaced by G.
Protein change: p.Ala125Gly; replaces alanine 125 with glycine.
Molecular consequence: missense variant.
Genome position (GRCh38, 1-based): chr4:64,322,750, G>C on the plus strand (C>G on the coding strand, the complement: TECRL is on the minus strand). VCF-style: chr4-64322750-G-C. GRCh37 (hg19) VCF-style: chr4-65188468-G-C.
Other names: c.374C>G, p.Ala125Gly (NM_001363796.1); short protein forms A125G.
Identifiers: ClinVar variation 4615089 (VCV004615089.1).

ClinVar aggregate classification (germline): Uncertain significance (1 of 4 stars; one submission).

Conditions:
Cardiovascular phenotype. Identifiers: MedGen CN230736.

gnomAD v4.1: 1 of 1,612,214 alleles (0.000062%); highest among the groups gnomAD compares: South Asian, 0.0011%; no homozygotes.

Submission:

Ambry Genetics
Classification: Uncertain significance for Cardiovascular phenotype. Last evaluated: 2025-09-28. Review status: criteria provided, single submitter. Criteria: Ambry Variant Classification Scheme 2023. Collection method: clinical testing. Allele origin: germline.
Comment: The p.A125G variant (also known as c.374C>G), located in coding exon 4 of the TECRL gene, results from a C to G substitution at nucleotide position 374. The alanine at codon 125 is replaced by glycine, an amino acid with similar properties. This amino acid position is conserved. In addition, this alteration is predicted to be tolerated by in silico analysis. Based on the available evidence, the clinical significance of this variant remains unclear.